The following is an entry in ClinVar:

GRCh38/hg38 3q13.32(chr3:119033541-119081373)x4

Genes: IGSF11 (immunoglobulin superfamily member 11; minus strand), LOC129937298 (ATAC-STARR-seq lymphoblastoid silent region 14624; plus strand). Cytogenetic location: 3q13.32.
Variant type: copy number gain.
Change: copy number 4 of chr3:119,033,541-119,081,373 (47.8 kb, GRCh38 coordinates, 1-based), cytogenetic band 3q13.32.
Identifiers: ClinVar variation 144859 (VCV000144859.1).

ClinVar aggregate classification (germline): Benign/Likely benign (0 of 4 stars; one submission).

Submission:

GeneDx
Classification: Benign/Likely benign. Last evaluated: 2010-11-30. Review status: no assertion criteria provided. Collection method: clinical testing. Allele origin: not provided. Affected: yes. Observed: 2 variant alleles.
Comment: Likely benign (1), Benign (1)